The following is an entry in ClinVar:

NM_006231.4(POLE):c.1462_1463insGAATAATGG (p.Met487_Glu488insGlyIleMet)

Gene: POLE (DNA polymerase epsilon, catalytic subunit; minus strand). Cytogenetic location: 12q24.33.
Variant type: Insertion.
Coding change: c.1462_1463insGAATAATGG on transcript NM_006231.4 (MANE Select); coding-DNA positions 1462 to 1463, GAATAATGG inserted.
Protein change: p.Met487_Glu488insGlyIleMet.
Molecular consequence: inframe insertion.
Genome position: GRCh38 VCF-style: chr12-132673174-T-TCCATTATTC. GRCh37 (hg19) VCF-style: chr12-133249760-T-TCCATTATTC.
Identifiers: ClinVar variation 2840139 (VCV002840139.3), dbSNP rs2542139733, ClinGen allele CA2739277390.
Genomic context (GRCh38, chr12:132,673,174, plus strand): 5'-GGGGCAAGGGCTGAGGAGGCCAGGGTGCCGACAGGACAGATAATGCTCACCTCGTCGGGC[T>TCCATTATTC]CCATGGGAATAATGGTGCACAGAGCAAAGATGAATGGGTGGACGTACTTCATGTACAGGT-3'

ClinVar aggregate classification (germline): Uncertain significance (1 of 4 stars; one submission).

Submission:

Labcorp Genetics (formerly Invitae), Labcorp
Classification: Uncertain significance. Last evaluated: 2023-02-23. Review status: criteria provided, single submitter. Criteria: Invitae Variant Classification Sherloc (09022015). Collection method: clinical testing. Allele origin: germline.
Comment: In summary, the available evidence is currently insufficient to determine the role of this variant in disease. Therefore, it has been classified as a Variant of Uncertain Significance. This variant has not been reported in the literature in individuals affected with POLE-related conditions. This variant is not present in population databases (gnomAD no frequency). This variant, c.1462_1463insGAATAATGG, results in the insertion of 3 amino acid(s) of the POLE protein (p.Met487_Glu488insGlyIleMet), but otherwise preserves the integrity of the reading frame.